The following is an entry in ClinVar:

NM_001987.5(ETV6):c.1320G>T (p.Gln440His)

Gene: ETV6 (ETS variant transcription factor 6; plus strand). Cytogenetic location: 12p13.2.
Variant type: single nucleotide variant.
Coding change: c.1320G>T on transcript NM_001987.5 (MANE Select); coding-DNA position 1320, G replaced by T.
Protein change: p.Gln440His; replaces glutamine 440 with histidine.
Molecular consequence: missense variant. On other transcripts: 3 prime UTR variant (1).
Genome position (GRCh38, 1-based): chr12:11,891,007, G>T. VCF-style: chr12-11891007-G-T. GRCh37 (hg19) VCF-style: chr12-12043941-G-T.
Other names: c.1317G>T, p.Gln439His (NM_001413913.1); c.1293G>T, p.Gln431His (NM_001413914.1); c.1056G>T, p.Gln352His (NM_001413915.1); c.*59G>T (NM_001413917.1); short protein forms Q352H, Q431H, Q439H, Q440H.
Identifiers: ClinVar variation 4020067 (VCV004020067.1).
Genomic context (GRCh38, chr12:11,891,007, plus strand): 5'-GAAAACCCCAGATGAAATCATGAGTGGCCGAACAGACCGTCTGGAGCACCTAGAGTCCCA[G>T]GAGCTGGATGAACAAATATACCAAGAAGATGAATGCTGAAGGAACCAACAGTCCACCTCA-3'
Protein context (NP_001978.1, residues 430-450): RTDRLEHLES[Gln440His]ELDEQIYQED

ClinVar aggregate classification (germline): Uncertain significance (1 of 4 stars; one submission).

Conditions:
Inborn genetic diseases. Identifiers: MedGen C0950123, MeSH D030342.

Submission:

Ambry Genetics
Classification: Uncertain significance for Inborn genetic diseases. Last evaluated: 2025-04-12. Review status: criteria provided, single submitter. Criteria: Ambry Variant Classification Scheme 2023. Collection method: clinical testing. Allele origin: germline.
Comment: The p.Q440H variant (also known as c.1320G>T), located in coding exon 8 of the ETV6 gene, results from a G to T substitution at nucleotide position 1320. The glutamine at codon 440 is replaced by histidine, an amino acid with highly similar properties. This amino acid position is conserved. In addition, this alteration is predicted to be tolerated by in silico analysis. Based on the available evidence, the clinical significance of this variant remains unclear.